The following is an entry in ClinVar:

NM_024642.5(GALNT12):c.392A>G (p.Asp131Gly)

Gene: GALNT12 (polypeptide N-acetylgalactosaminyltransferase 12; plus strand). Cytogenetic location: 9q22.33.
Variant type: single nucleotide variant.
Coding change: c.392A>G on transcript NM_024642.5 (MANE Select); coding-DNA position 392, A replaced by G.
Protein change: p.Asp131Gly; replaces aspartic acid 131 with glycine.
Molecular consequence: missense variant.
Genome position (GRCh38, 1-based): chr9:98,823,276, A>G. VCF-style: chr9-98823276-A-G. GRCh37 (hg19) VCF-style: chr9-101585558-A-G.
Other names: short protein forms D131G.
Identifiers: ClinVar variation 1736249 (VCV001736249.3), dbSNP rs143127190, ClinGen allele CA5153936.

ClinVar aggregate classification (germline): Uncertain significance (1 of 4 stars; one submission).

Allele frequency attached by ClinVar (database versions not stated): gnomAD exomes below 0.00001; TOPMed below 0.00001; ExAC 0.00002; ESP Exome Variant Server 0.00015.
gnomAD v4.1: 1 of 1,614,184 alleles (0.000062%); highest among the groups gnomAD compares: Non-Finnish European, 0.000085%; no homozygotes.

Submission:

Ambry Genetics
Classification: Uncertain significance. Last evaluated: 2023-06-21. Review status: criteria provided, single submitter. Criteria: Ambry Variant Classification Scheme 2023. Collection method: clinical testing. Allele origin: germline.
Comment: The p.D131G variant (also known as c.392A>G), located in coding exon 2 of the GALNT12 gene, results from an A to G substitution at nucleotide position 392. The aspartic acid at codon 131 is replaced by glycine, an amino acid with similar properties. This amino acid position is not well conserved in available vertebrate species. In addition, this alteration is predicted to be tolerated by in silico analysis. Since supporting evidence is limited at this time, the clinical significance of this alteration remains unclear.